The following is an entry in ClinVar:

ClinVar aggregate classification (germline): Uncertain significance. Review status: criteria provided, multiple submitters, no conflicts (2 of 4 stars). 2 submissions from 2 submitters: Uncertain significance (2). Last evaluated 2023-10-13.

Conditions:
Hereditary cancer-predisposing syndrome. Also called: Neoplastic Syndromes, Hereditary; Hereditary Cancer Syndrome; Tumor predisposition; Hereditary neoplastic syndrome. Identifiers: Orphanet 140162, MedGen C0027672, MeSH D009386, MONDO:0015356.

Submissions (2):

Labcorp Genetics (formerly Invitae), Labcorp
Classification: Uncertain significance for Hereditary cancer-predisposing syndrome. Last evaluated: 2023-10-13. Review status: criteria provided, single submitter. Criteria: Invitae Variant Classification Sherloc (09022015). Collection method: clinical testing. Allele origin: germline.
Comment: This sequence change replaces threonine, which is neutral and polar, with lysine, which is basic and polar, at codon 1234 of the RAD50 protein (p.Thr1234Lys). This variant is not present in population databases (gnomAD no frequency). This variant has not been reported in the literature in individuals affected with RAD50-related conditions. ClinVar contains an entry for this variant (Variation ID: 854569). Advanced modeling of protein sequence and biophysical properties (such as structural, functional, and spatial information, amino acid conservation, physicochemical variation, residue mobility, and thermodynamic stability) performed at Invitae indicates that this missense variant is expected to disrupt RAD50 protein function. In summary, the available evidence is currently insufficient to determine the role of this variant in disease. Therefore, it has been classified as a Variant of Uncertain Significance.

Ambry Genetics
Classification: Uncertain significance for Hereditary cancer-predisposing syndrome. Last evaluated: 2022-09-19. Review status: criteria provided, single submitter. Criteria: Ambry Variant Classification Scheme 2023. Collection method: clinical testing. Allele origin: germline.
Comment: The p.T1234K variant (also known as c.3701C>A), located in coding exon 24 of the RAD50 gene, results from a C to A substitution at nucleotide position 3701. The threonine at codon 1234 is replaced by lysine, an amino acid with similar properties. This amino acid position is conserved. In addition, this alteration is predicted to be deleterious by in silico analysis. Since supporting evidence is limited at this time, the clinical significance of this alteration remains unclear.

NM_005732.4(RAD50):c.3701C>A (p.Thr1234Lys)

Genes: TH2LCRR (T helper type 2 locus control region associated RNA; minus strand), TH2-LCR (Th2 cytokine locus control region; plus strand), RAD50 (RAD50 double strand break repair protein; plus strand). Cytogenetic location: 5q31.1.
Variant type: single nucleotide variant.
Coding change: c.3701C>A on transcript NM_005732.4 (MANE Select); coding-DNA position 3701, C replaced by A.
Protein change: p.Thr1234Lys; replaces threonine 1234 with lysine.
Molecular consequence: missense variant.
Genome position (GRCh38, 1-based): chr5:132,640,754, C>A. VCF-style: chr5-132640754-C-A. GRCh37 (hg19) VCF-style: chr5-131976446-C-A.
Other names: short protein forms T1234K.
Identifiers: ClinVar variation 854569 (VCV000854569.12), dbSNP rs1751701483, ClinGen allele CA360934526.